The following is an entry in ClinVar:

ClinVar aggregate classification (germline): Likely pathogenic (1 of 4 stars; one submission).

Conditions:
Hereditary cancer-predisposing syndrome. Also called: Tumor predisposition; Hereditary neoplastic syndrome; Hereditary Cancer Syndrome; Neoplastic Syndromes, Hereditary. Identifiers: Orphanet 140162, MedGen C0027672, MeSH D009386, MONDO:0015356.

Allele frequency attached by ClinVar (database versions not stated): gnomAD exomes below 0.00001.
gnomAD v4.1: 3 of 1,613,758 alleles (0.00019%); highest among the groups gnomAD compares: Non-Finnish European, 0.00017%; no homozygotes.

Submission:

Ambry Genetics
Classification: Likely pathogenic for Hereditary cancer-predisposing syndrome. Last evaluated: 2024-01-03. Review status: criteria provided, single submitter. Criteria: Ambry Variant Classification Scheme 2023. Collection method: clinical testing. Allele origin: germline.
Comment: The c.1574A>G variant (also known as p.D525G), located in coding exon 11 of the NBN gene, results from an A to G substitution at nucleotide position 1574. This nucleotide position is not well conserved in available vertebrate species. In silico splice site analysis predicts that this alteration will result in the creation or strengthening of a novel splice donor site. RNA studies have demonstrated that this alteration results in abnormal splicing in the set of samples tested (Ambry internal data). Based on the majority of available evidence to date, this variant is likely to be pathogenic.

NM_002485.5(NBN):c.1574A>G (p.Asp525Gly)

Gene: NBN (nibrin; minus strand). Cytogenetic location: 8q21.3.
Variant type: single nucleotide variant.
Coding change: c.1574A>G on transcript NM_002485.5 (MANE Select); coding-DNA position 1574, A replaced by G.
Protein change: p.Asp525Gly; replaces aspartic acid 525 with glycine.
Molecular consequence: missense variant.
Genome position (GRCh38, 1-based): chr8:89,953,515, T>C on the plus strand (A>G on the coding strand, the complement: NBN is on the minus strand). VCF-style: chr8-89953515-T-C. GRCh37 (hg19) VCF-style: chr8-90965743-T-C.
Other names: c.1328A>G, p.Asp443Gly (NM_001024688.3); short protein forms D525G, D443G.
Identifiers: ClinVar variation 3222411 (VCV003222411.1), dbSNP rs1455928001, ClinGen allele CA371655562.